The following is an entry in ClinVar:

ClinVar aggregate classification (germline): Benign (1 of 4 stars; one submission).

Conditions:
Retinitis pigmentosa (RP). Identifiers: Orphanet 791, MedGen C0035334, MeSH D012174, MONDO:0019200, OMIM 268000. Inheritance: Autosomal dominant, autosomal recessive and X linked inheritance.

Allele frequency attached by ClinVar (database versions not stated): gnomAD 0.00001 and 0.00056; TOPMed 0.00009; gnomAD exomes 0.00220; 1000 Genomes Project 30x 0.00547; 1000 Genomes Project 0.00639.
gnomAD v4.1: 902 of 533,668 alleles (0.17%); highest among the groups gnomAD compares: South Asian, 1.8%; 25 homozygotes.

Submission:

Illumina Laboratory Services, Illumina
Classification: Benign for Retinitis pigmentosa. Last evaluated: 2018-01-13. Review status: criteria provided, single submitter. Criteria: ICSL Variant Classification Criteria 13 December 2019. Collection method: clinical testing. Allele origin: germline.
Comment: This variant was observed in the ICSL laboratory as part of a predisposition screen in an ostensibly healthy population. It had not been previously curated by ICSL or reported in the Human Gene Mutation Database (HGMD: prior to June 1st, 2018), and was therefore a candidate for classification through an automated scoring system. Utilizing variant allele frequency, disease prevalence and penetrance estimates, and inheritance mode, an automated score was calculated to assess if this variant is too frequent to cause the disease. Based on the score and internal cut-off values, a variant classified as benign is not then subjected to further curation. The score for this variant resulted in a classification of benign for this disease.

NM_014014.5(SNRNP200):c.*257C>G

Gene: SNRNP200 (small nuclear ribonucleoprotein U5 subunit 200; minus strand). Cytogenetic location: 2q11.2.
Variant type: single nucleotide variant.
Coding change: c.*257C>G on transcript NM_014014.5 (MANE Select); 257 bases downstream of the stop codon, C replaced by G.
Molecular consequence: 3 prime UTR variant.
Genome position (GRCh38, 1-based): chr2:96,274,755, G>C on the plus strand (C>G on the coding strand, the complement: SNRNP200 is on the minus strand). VCF-style: chr2-96274755-G-C. GRCh37 (hg19) VCF-style: chr2-96940493-G-C.
Identifiers: ClinVar variation 337519 (VCV000337519.5), dbSNP rs560814451, ClinGen allele CA10614195.
Genomic context (GRCh38, chr2:96,274,755, plus strand): 5'-AGAAAACTTTTAATTTGGAATCACTACAAAGACAAATGGTTTCTACAAATTATTTTATTA[G>C]AATGTCAGACTCAAAAGAACTACCAGGAACATGCCTGAAAATGCTATATATGATTTATGC-3'